The following is an entry in ClinVar:

ClinVar aggregate classification (germline): Uncertain significance (1 of 4 stars; one submission).

Allele frequency attached by ClinVar (database versions not stated): gnomAD exomes below 0.00001.
gnomAD v4.1: 1 of 1,613,876 alleles (0.000062%); highest among the groups gnomAD compares: Non-Finnish European, 0.000085%; no homozygotes.

Submission:

CeGaT Center for Human Genetics Tuebingen
Classification: Uncertain significance. Last evaluated: 2023-06-01. Review status: criteria provided, single submitter. Criteria: CeGaT Center For Human Genetics Tuebingen Variant Classification Criteria Version 2. Collection method: clinical testing. Allele origin: germline. Affected: yes. Observed: 2 variant alleles.
Comment: CYFIP2: PM2, PP2

NM_001037333.3(CYFIP2):c.2384T>C (p.Val795Ala)

Gene: CYFIP2 (cytoplasmic FMR1 interacting protein 2; plus strand). Cytogenetic location: 5q33.3.
Variant type: single nucleotide variant.
Coding change: c.2384T>C on transcript NM_001037333.3 (MANE Select); coding-DNA position 2384, T replaced by C.
Protein change: p.Val795Ala; replaces valine 795 with alanine.
Molecular consequence: missense variant.
Genome position (GRCh38, 1-based): chr5:157,333,445, T>C. VCF-style: chr5-157333445-T-C. GRCh37 (hg19) VCF-style: chr5-156760453-T-C.
Other names: c.2306T>C, p.Val769Ala (NM_001291721.2); c.2459T>C, p.Val820Ala (NM_001291722.2); c.2384T>C, p.Val795Ala (NM_014376.4); short protein forms V769A, V795A, V820A.
Identifiers: ClinVar variation 2655993 (VCV002655993.24), dbSNP rs2532455949, ClinGen allele CA361971359.